The following is an entry in ClinVar:

NM_000264.5(PTCH1):c.2808C>T (p.Ala936=)

Gene: PTCH1 (patched 1; minus strand). Cytogenetic location: 9q22.32.
Variant type: single nucleotide variant.
Coding change: c.2808C>T on transcript NM_000264.5 (MANE Select); coding-DNA position 2808, C replaced by T.
Protein change: p.Ala936=; no amino-acid change (alanine 936 retained).
Molecular consequence: synonymous variant. On other transcripts: non-coding transcript variant (1).
Genome position (GRCh38, 1-based): chr9:95,459,679, G>A on the plus strand (C>T on the coding strand, the complement: PTCH1 is on the minus strand). VCF-style: chr9-95459679-G-A. GRCh37 (hg19) VCF-style: chr9-98221961-G-A.
Other names: c.2610C>T, p.Ala870= (NM_001083602.3); c.2805C>T, p.Ala935= (NM_001083603.3); c.2355C>T, p.Ala785= (NM_001083604.3, NM_001083605.3, NM_001083606.3 and 1 more transcripts); c.2652C>T, p.Ala884= (NM_001354918.2); c.2808C>T (NM_000264.3).
Identifiers: ClinVar variation 1690423 (VCV001690423.10), dbSNP rs1393599414, ClinGen allele CA466111623.

ClinVar aggregate classification (germline): Conflicting classifications of pathogenicity. Review status: criteria provided, conflicting classifications (1 of 4 stars). 4 submissions from 4 submitters: Uncertain significance (2); Likely benign (2). Last evaluated 2024-09-09.

Conditions:
Hereditary cancer-predisposing syndrome. Also called: Neoplastic Syndromes, Hereditary; Hereditary neoplastic syndrome; Tumor predisposition; Hereditary Cancer Syndrome. Identifiers: Orphanet 140162, MedGen C0027672, MeSH D009386, MONDO:0015356.
Gorlin syndrome. Also called: Basal cell nevus syndrome; Nevoid Basal Cell Carcinoma Syndrome. Identifiers: Orphanet 377, MedGen C0004779, MONDO:0007187.

Allele frequency attached by ClinVar (database versions not stated): gnomAD exomes below 0.00001; TOPMed below 0.00001.
gnomAD v4.1: 6 of 1,614,226 alleles (0.00037%); highest among the groups gnomAD compares: Non-Finnish European, 0.00051%; no homozygotes.

Submissions (4):

Labcorp Genetics (formerly Invitae), Labcorp
Classification: Likely benign for Gorlin syndrome. Last evaluated: 2024-09-09. Review status: criteria provided, single submitter. Criteria: Invitae Variant Classification Sherloc (09022015). Collection method: clinical testing. Allele origin: germline.

GeneDx
Classification: Uncertain significance. Last evaluated: 2024-02-15. Review status: criteria provided, single submitter. Criteria: GeneDx Variant Classification Process June 2021. Collection method: clinical testing. Allele origin: germline. Affected: yes.
Comment: Not observed at significant frequency in large population cohorts (gnomAD); In silico analysis supports that this variant does not alter splicing; Has not been previously published as pathogenic or benign to our knowledge

Ambry Genetics
Classification: Likely benign for Hereditary cancer-predisposing syndrome. Last evaluated: 2021-10-29. Review status: criteria provided, single submitter. Criteria: Ambry Variant Classification Scheme 2023. Collection method: clinical testing. Allele origin: germline.

Laboratorio de Genetica e Diagnostico Molecular, Hospital Israelita Albert Einstein
Classification: Uncertain significance. Last evaluated: 2021-08-26. Review status: criteria provided, single submitter. Criteria: ACMG Guidelines, 2015. Collection method: clinical testing. Allele origin: germline. Affected: yes.
Comment: ACMG classification criteria: PM2